The following is an entry in ClinVar:

NM_001036.6(RYR3):c.3923G>A (p.Ser1308Asn)

Gene: RYR3 (ryanodine receptor 3; plus strand). Cytogenetic location: 15q14.
Variant type: single nucleotide variant.
Coding change: c.3923G>A on transcript NM_001036.6 (MANE Select); coding-DNA position 3923, G replaced by A.
Protein change: p.Ser1308Asn; replaces serine 1308 with asparagine.
Molecular consequence: missense variant.
Genome position (GRCh38, 1-based): chr15:33,646,508, G>A. VCF-style: chr15-33646508-G-A. GRCh37 (hg19) VCF-style: chr15-33938709-G-A.
Other names: c.3923G>A, p.Ser1308Asn (NM_001243996.4); short protein forms S1308N.
Identifiers: ClinVar variation 864707 (VCV000864707.9), dbSNP rs2062111629, ClinGen allele CA391577476.
Genomic context (GRCh38, chr15:33,646,508, plus strand): 5'-GCCGCTTGAGCATGCCTGTCGAGTGCCACTCCTCCTTCAGCCACAGCCCCTGTCTGGACA[G>A]TGAAGCTTTCCAGAAAAGGTGAGGGTGAGGCCTCCAGTTCTCAGAGGCACTCATTGTATC-3'
Protein context (NP_001027.3, residues 1298-1318): SSFSHSPCLD[Ser1308Asn]EAFQKRKQMQ

ClinVar aggregate classification (germline): Uncertain significance (1 of 4 stars; one submission).

Conditions:
Epileptic encephalopathy. Identifiers: MedGen C0543888, HP:0200134.

Submission:

Labcorp Genetics (formerly Invitae), Labcorp
Classification: Uncertain significance for Epileptic encephalopathy. Last evaluated: 2019-04-13. Review status: criteria provided, single submitter. Criteria: Invitae Variant Classification Sherloc (09022015). Collection method: clinical testing. Allele origin: germline.
Comment: This sequence change replaces serine with asparagine at codon 1308 of the RYR3 protein (p.Ser1308Asn). The serine residue is moderately conserved and there is a small physicochemical difference between serine and asparagine. This variant is not present in population databases (ExAC no frequency). This variant has not been reported in the literature in individuals with RYR3-related conditions. Algorithms developed to predict the effect of missense changes on protein structure and function (SIFT, PolyPhen-2, Align-GVGD) all suggest that this variant is likely to be tolerated, but these predictions have not been confirmed by published functional studies and their clinical significance is uncertain. In summary, the available evidence is currently insufficient to determine the role of this variant in disease. Therefore, it has been classified as a Variant of Uncertain Significance.